The following is an entry in ClinVar:

NM_000090.4(COL3A1):c.1557A>C (p.Gly519=)

Gene: COL3A1 (collagen type III alpha 1 chain; plus strand). Cytogenetic location: 2q32.2.
Variant type: single nucleotide variant.
Coding change: c.1557A>C on transcript NM_000090.4 (MANE Select); coding-DNA position 1557, A replaced by C.
Protein change: p.Gly519=; no amino-acid change (glycine 519 retained).
Molecular consequence: synonymous variant.
Genome position (GRCh38, 1-based): chr2:188,995,739, A>C. VCF-style: chr2-188995739-A-C. GRCh37 (hg19) VCF-style: chr2-189860465-A-C.
Identifiers: ClinVar variation 1082924 (VCV001082924.11), dbSNP rs754318905, ClinGen allele CA074466.

ClinVar aggregate classification (germline): Likely benign. Review status: criteria provided, multiple submitters, no conflicts (2 of 4 stars). 4 submissions from 4 submitters: Likely benign (4). Last evaluated 2025-07-25.

Conditions:
Familial thoracic aortic aneurysm and aortic dissection (TAAD). Also called: Thoracic aortic aneurysms and dissections. Identifiers: Orphanet 91387, MedGen C4707243, MONDO:0019625.
Ehlers-Danlos syndrome, type 4 (EDSVASC). Also called: Ehlers-Danlos syndrome vascular type; Ehlers Danlos syndrome, ecchymotic type; Ehlers Danlos syndrome, arterial type; Ehlers Danlos syndrome, Sack-Barabas type; Ehlers-Danlos Syndrome Type IV. Identifiers: Orphanet 286, MedGen C0268338, MONDO:0017314, OMIM 130050.

Allele frequency attached by ClinVar (database versions not stated): TOPMed below 0.00001; gnomAD 0.00001; gnomAD exomes 0.00001 and 0.00002.
gnomAD v4.1: 5 of 1,567,944 alleles (0.00032%); highest among the groups gnomAD compares: Admixed American, 0.0075%; no homozygotes.

Submissions (4):

Color Diagnostics, LLC DBA Color Health
Classification: Likely benign for Familial thoracic aortic aneurysm and aortic dissection. Last evaluated: 2025-07-25. Review status: criteria provided, single submitter. Criteria: ACMG Guidelines, 2015. Collection method: clinical testing. Allele origin: germline.

Labcorp Genetics (formerly Invitae), Labcorp
Classification: Likely benign for Ehlers-Danlos syndrome, type 4. Last evaluated: 2023-07-31. Review status: criteria provided, single submitter. Criteria: Invitae Variant Classification Sherloc (09022015). Collection method: clinical testing. Allele origin: germline.

Ambry Genetics
Classification: Likely benign for Familial thoracic aortic aneurysm and aortic dissection. Last evaluated: 2023-01-13. Review status: criteria provided, single submitter. Criteria: Ambry Variant Classification Scheme 2023. Collection method: clinical testing. Allele origin: germline.

Women's Health and Genetics/Laboratory Corporation of America, LabCorp
Classification: Likely benign. Last evaluated: 2021-11-01. Review status: criteria provided, single submitter. Criteria: LabCorp Variant Classification Summary - May 2015. Collection method: clinical testing. Allele origin: germline.
Comment: Variant summary: COL3A1 c.1557A>C results in a synonymous change. 4/4 computational tools predict no significant impact on normal splicing. However, these predictions have yet to be confirmed by functional studies. The variant allele was found at a frequency of 1.7e-05 in 178468 control chromosomes (gnomAD). The available data on variant occurrences in the general population are insufficient to allow any conclusion about variant significance. To our knowledge, no occurrence of c.1557A>C in individuals affected with Ehlers-Danlos Syndrome, Vascular Type and no experimental evidence demonstrating its impact on protein function have been reported. No clinical diagnostic laboratories have submitted clinical-significance assessments for this variant to ClinVar after 2014. Based on the evidence outlined above, the variant was classified as likely benign.